The following is an entry in ClinVar:

NM_153610.5(CMYA5):c.3333G>A (p.Gln1111=)

Gene: CMYA5 (cardiomyopathy associated 5; plus strand). Cytogenetic location: 5q14.1.
Variant type: single nucleotide variant.
Coding change: c.3333G>A on transcript NM_153610.5 (MANE Select); coding-DNA position 3333, G replaced by A.
Protein change: p.Gln1111=; no amino-acid change (glutamine 1111 retained).
Molecular consequence: synonymous variant.
Genome position (GRCh38, 1-based): chr5:79,732,098, G>A. VCF-style: chr5-79732098-G-A. GRCh37 (hg19) VCF-style: chr5-79027921-G-A.
Identifiers: ClinVar variation 791262 (VCV000791262.29), dbSNP rs202024565, ClinGen allele CA3321752.

ClinVar aggregate classification (germline): Benign/Likely benign. Review status: criteria provided, multiple submitters, no conflicts (2 of 4 stars). 3 submissions from 3 submitters: Benign (2); Likely benign (1). Last evaluated 2023-02-01.

Allele frequency attached by ClinVar (database versions not stated): 1000 Genomes Project 0.00080; 1000 Genomes Project 30x 0.00109; gnomAD 0.00185 and 0.00194; TOPMed 0.00211; gnomAD exomes 0.00242 and 0.00268; ExAC 0.00251; ESP Exome Variant Server 0.00267.
gnomAD v4.1: 4,235 of 1,613,950 alleles (0.26%); highest among the groups gnomAD compares: Middle Eastern, 0.82%; 20 homozygotes.

Submissions (3):

CeGaT Center for Human Genetics Tuebingen
Classification: Likely benign. Last evaluated: 2023-02-01. Review status: criteria provided, single submitter. Criteria: CeGaT Center For Human Genetics Tuebingen Variant Classification Criteria Version 2. Collection method: clinical testing. Allele origin: germline. Affected: yes. Observed: 4 variant alleles.
Comment: CMYA5: BP4, BP7, BS2

Labcorp Genetics (formerly Invitae), Labcorp
Classification: Benign. Last evaluated: 2019-12-31. Review status: criteria provided, single submitter. Criteria: Invitae Variant Classification Sherloc (09022015). Collection method: clinical testing. Allele origin: germline.

Breakthrough Genomics
Classification: Benign. Review status: criteria provided, single submitter. Criteria: ACMG Guidelines, 2015. Collection method: not provided. Allele origin: germline. Inheritance: Unknown mechanism. Affected: yes.